The following is an entry in ClinVar:

ClinVar aggregate classification (germline): Pathogenic. Review status: criteria provided, multiple submitters, no conflicts (2 of 4 stars). 3 submissions from 3 submitters: Pathogenic (3). Last evaluated 2026-09-01.

Conditions:
Loeys-Dietz syndrome (LDS). Identifiers: Orphanet 60030, MedGen C2697932, MONDO:0018954.
Rienhoff syndrome. Also called: LOEYS-DIETZ SYNDROME 5. Identifiers: MedGen C3810012, MONDO:0014262, OMIM 615582.
Familial thoracic aortic aneurysm and aortic dissection (TAAD). Also called: Thoracic aortic aneurysms and dissections. Identifiers: Orphanet 91387, MedGen C4707243, MONDO:0019625.

Submissions (3):

Ambry Genetics
Classification: Pathogenic for Familial thoracic aortic aneurysm and aortic dissection. Last evaluated: 2026-09-01. Review status: criteria provided, single submitter. Criteria: Ambry Variant Classification Scheme 2023. Collection method: clinical testing. Allele origin: germline.
Comment: The c.883_884delGG (p.G295Sfs*28) alteration, located in exon 5 (coding exon 5) of the TGFB3 gene, consists of a deletion of 2 nucleotides from position 883 to 884, causing a translational frameshift with a predicted alternate stop codon after 28 amino acids. This variant is expected to result in loss of function by premature protein truncation or nonsense-mediated mRNA decay. Based on data from gnomAD, this allele has an overall frequency of 0.003% (1/31226) total alleles studied. The highest observed frequency was 0.007% (1/15322) of European (non-Finnish) alleles. Based on the available evidence, this alteration is classified as pathogenic.

Labcorp Genetics (formerly Invitae), Labcorp
Classification: Pathogenic for Rienhoff syndrome. Last evaluated: 2025-07-27. Review status: criteria provided, single submitter. Criteria: Invitae Variant Classification Sherloc (09022015). Collection method: clinical testing. Allele origin: germline.
Comment: This sequence change creates a premature translational stop signal (p.Gly295Serfs*28) in the TGFB3 gene. It is expected to result in an absent or disrupted protein product. Loss-of-function variants in TGFB3 are known to be pathogenic (PMID: 25835445, 26188975). This variant is not present in population databases (gnomAD no frequency). This variant has not been reported in the literature in individuals affected with TGFB3-related conditions. ClinVar contains an entry for this variant (Variation ID: 410268). For these reasons, this variant has been classified as Pathogenic.

Women's Health and Genetics/Laboratory Corporation of America, LabCorp
Classification: Pathogenic for Loeys-Dietz syndrome. Last evaluated: 2025-06-02. Review status: criteria provided, single submitter. Criteria: LabCorp Variant Classification Summary - May 2015. Collection method: clinical testing. Allele origin: germline.
Comment: Variant summary: TGFB3 c.883_884delGG (p.Gly295SerfsX28) results in a premature termination codon, predicted to cause a truncation of the encoded protein or absence of the protein due to nonsense mediated decay, which are commonly known mechanisms for disease. The variant was absent in 251422 control chromosomes. To our knowledge, no occurrence of c.883_884delGG in individuals affected with Loeys-Dietz Syndrome and no experimental evidence demonstrating its impact on protein function have been reported. ClinVar contains an entry for this variant (Variation ID: 410268). Based on the evidence outlined above, the variant was classified as pathogenic for Loeys-Dietz Syndrome.

Literature cited by the submitters: PubMed 25835445 (cited by Labcorp Genetics (formerly Invitae), Labcorp); PubMed 26188975 (cited by Labcorp Genetics (formerly Invitae), Labcorp).

NM_003239.5(TGFB3):c.883_884del (p.Gly295fs)

Gene: TGFB3 (transforming growth factor beta 3; minus strand). Cytogenetic location: 14q24.3.
Variant type: Deletion.
Coding change: c.883_884del on transcript NM_003239.5 (MANE Select); coding-DNA positions 883 to 884, 2 bases deleted (GG; older notation c.883_884delGG).
Protein change: p.Gly295fs; shifts the reading frame from glycine 295.
Molecular consequence: frameshift variant.
Genome position (GRCh38, 1-based): chr14:75,963,358-75,963,359, CC deleted on the plus strand (GG on the coding strand, the reverse complement: TGFB3 is on the minus strand); deleting any 2 consecutive bases within chr14:75,963,358-75,963,363 gives the same sequence; the c. name uses the placement nearest the transcript's 3' end. VCF-style (leftmost placement, unchanged base first): chr14-75963357-ACC-A. GRCh37 (hg19) VCF-style: chr14-76429700-ACC-A.
Other names: c.883_884del (NM_003239.3); c.883_884delGG (NM_003239.2, NM_003239.5); c.883_884del, p.Gly295fs (NM_001329938.2, NM_001329939.2); short protein forms G295fs.
Identifiers: ClinVar variation 410268 (VCV000410268.12), dbSNP rs1060502826, ClinGen allele CA16614471.